The following is an entry in ClinVar:

NM_018082.6(POLR3B):c.41A>G (p.Glu14Gly)

Gene: POLR3B (RNA polymerase III subunit B; plus strand). Cytogenetic location: 12q23.3.
Variant type: single nucleotide variant.
Coding change: c.41A>G on transcript NM_018082.6 (MANE Select); coding-DNA position 41, A replaced by G.
Protein change: p.Glu14Gly; replaces glutamic acid 14 with glycine.
Molecular consequence: missense variant.
Genome position (GRCh38, 1-based): chr12:106,357,920, A>G. VCF-style: chr12-106357920-A-G. GRCh37 (hg19) VCF-style: chr12-106751698-A-G.
Other names: short protein forms E14G.
Identifiers: ClinVar variation 4990722 (VCV004990722.1).
Genomic context (GRCh38, chr12:106,357,920, plus strand): 5'-CTTCCTCCTTCGTGAGCAGCATGGACGTGCTAGCGGAGGAGTTTGGGAACCTGACTCCGG[A>G]GCAGCTGGCGGCGCCGATCCCGACTGTAGAGGTCAGTGCCAGGCACGCAGGGAGCGTCAG-3'
Protein context (NP_060552.4, residues 4-24): LAEEFGNLTP[Glu14Gly]QLAAPIPTVE

ClinVar aggregate classification (germline): Uncertain significance (1 of 4 stars; one submission).

Conditions:
POLR3B-related disorder. Also called: POLR3B-related condition; POLR3B-related disorders. Identifiers: MedGen CN378588, MONDO:0700277.

gnomAD v4.1: 2 of 1,613,326 alleles (0.00012%); highest among the groups gnomAD compares: African/African-American, 0.0013%; no homozygotes.

Submission:

PreventionGenetics, part of Exact Sciences
Classification: Uncertain significance for POLR3B-related condition. Last evaluated: 2025-01-30. Review status: criteria provided, single submitter. Criteria: ACMG Guidelines, 2015. Collection method: clinical testing. Allele origin: germline.
Comment: The POLR3B c.41A>G variant is predicted to result in the amino acid substitution p.Glu14Gly. To our knowledge, this variant has not been reported in the literature. This variant is reported in 0.00089% of alleles in individuals of European (Non-Finnish) descent in gnomAD. At this time, the clinical significance of this variant is uncertain due to the absence of conclusive functional and genetic evidence.